The following is an entry in ClinVar:

NM_000214.3(JAG1):c.1198_1199dup (p.Pro401fs)

Gene: JAG1 (jagged canonical Notch ligand 1; minus strand). Cytogenetic location: 20p12.2.
Variant type: Microsatellite.
Coding change: c.1198_1199dup on transcript NM_000214.3 (MANE Select); coding-DNA positions 1198 to 1199, 2 bases duplicated (TG; older notation c.1198_1199dupTG).
Protein change: p.Pro401fs; shifts the reading frame from proline 401.
Molecular consequence: frameshift variant.
Genome position (GRCh38, 1-based): chr20:10,650,282-10,650,283, CA duplicated on the plus strand (TG on the coding strand, the reverse complement: JAG1 is on the minus strand); duplicating any 2 consecutive bases within chr20:10,650,282-10,650,290 gives the same sequence; the c. name uses the placement nearest the transcript's 3' end. VCF-style (leftmost placement, unchanged base first): chr20-10650281-G-GCA. GRCh37 (hg19) VCF-style: chr20-10630929-G-GCA.
Other names: c.1198_1199dupTG (NM_000214.2); short protein forms P401fs.
Identifiers: ClinVar variation 213557 (VCV000213557.8), dbSNP rs1555828843, ClinGen allele CA325071.

ClinVar aggregate classification (germline): Pathogenic. Review status: criteria provided, multiple submitters, no conflicts (2 of 4 stars). 2 submissions from 2 submitters: Pathogenic (2). Last evaluated 2021-08-22.

Conditions:
Alagille syndrome due to a JAG1 point mutation. Also called: HEPATIC DUCTULAR HYPOPLASIA, SYNDROMATIC; Alagille Syndrome 1; JAG1-Related Alagille Syndrome. Identifiers: Orphanet 261619, Orphanet 52, MedGen C1956125, MONDO:0016862, OMIM 118450.

Submissions (2):

Labcorp Genetics (formerly Invitae), Labcorp
Classification: Pathogenic for Alagille syndrome due to a JAG1 point mutation. Last evaluated: 2021-08-22. Review status: criteria provided, single submitter. Criteria: Invitae Variant Classification Sherloc (09022015). Collection method: clinical testing. Allele origin: germline.
Comment: For these reasons, this variant has been classified as Pathogenic. ClinVar contains an entry for this variant (Variation ID: 213557). This variant has not been reported in the literature in individuals affected with JAG1-related conditions. This variant is not present in population databases (ExAC no frequency). This sequence change creates a premature translational stop signal (p.Pro401Alafs*12) in the JAG1 gene. It is expected to result in an absent or disrupted protein product. Loss-of-function variants in JAG1 are known to be pathogenic (PMID: 11180599).

GeneDx
Classification: Pathogenic. Last evaluated: 2019-10-16. Review status: criteria provided, single submitter. Criteria: GeneDx Variant Classification Process June 2021. Collection method: clinical testing. Allele origin: germline. Affected: yes.
Comment: Frameshift variant predicted to result in protein truncation or nonsense mediated decay in a gene for which loss-of-function is a known mechanism of disease; Not observed in large population cohorts (Lek et al., 2016); Has not been previously published as pathogenic or benign to our knowledge

Literature cited by the submitters: PubMed 11180599 (cited by Labcorp Genetics (formerly Invitae), Labcorp).